The following is an entry in ClinVar:

NM_000222.3(KIT):c.874G>A (p.Ala292Thr)

Gene: KIT (KIT proto-oncogene, receptor tyrosine kinase; plus strand). Cytogenetic location: 4q12.
Variant type: single nucleotide variant.
Coding change: c.874G>A on transcript NM_000222.3 (MANE Select); coding-DNA position 874, G replaced by A.
Protein change: p.Ala292Thr; replaces alanine 292 with threonine.
Molecular consequence: missense variant.
Genome position (GRCh38, 1-based): chr4:54,703,841, G>A. VCF-style: chr4-54703841-G-A. GRCh37 (hg19) VCF-style: chr4-55570007-G-A.
Other names: c.874G>A, p.Ala292Thr (NM_001093772.2, NM_001385285.1, NM_001385286.1); c.877G>A, p.Ala293Thr (NM_001385284.1, NM_001385288.1, NM_001385290.1 and 1 more transcripts); short protein forms A292T, A293T.
Identifiers: ClinVar variation 1489085 (VCV001489085.10), dbSNP rs2109693537, ClinGen allele CA356900006.

ClinVar aggregate classification (germline): Uncertain significance. Review status: criteria provided, multiple submitters, no conflicts (2 of 4 stars). 2 submissions from 2 submitters: Uncertain significance (2). Last evaluated 2021-12-06.

Conditions:
Hereditary cancer-predisposing syndrome. Also called: Hereditary neoplastic syndrome; Tumor predisposition; Hereditary Cancer Syndrome; Neoplastic Syndromes, Hereditary. Identifiers: Orphanet 140162, MedGen C0027672, MeSH D009386, MONDO:0015356.
Gastrointestinal stromal tumor. Also called: Gastrointestinal stroma tumor; Gastrointestinal stromal tumor, somatic. Identifiers: Orphanet 44890, MedGen C0238198, MeSH D046152, MONDO:0011719, OMIM 606764, HP:0100723.

Submissions (2):

Ambry Genetics
Classification: Uncertain significance for Hereditary cancer-predisposing syndrome. Last evaluated: 2021-12-06. Review status: criteria provided, single submitter. Criteria: Ambry Variant Classification Scheme 2023. Collection method: clinical testing. Allele origin: germline.
Comment: The p.A292T variant (also known as c.874G>A), located in coding exon 5 of the KIT gene, results from a G to A substitution at nucleotide position 874. The alanine at codon 292 is replaced by threonine, an amino acid with similar properties. This amino acid position is conserved. In addition, this alteration is predicted to be tolerated by in silico analysis. Since supporting evidence is limited at this time, the clinical significance of this alteration remains unclear.

Labcorp Genetics (formerly Invitae), Labcorp
Classification: Uncertain significance for Gastrointestinal stromal tumor. Last evaluated: 2020-11-26. Review status: criteria provided, single submitter. Criteria: Invitae Variant Classification Sherloc (09022015). Collection method: clinical testing. Allele origin: germline.
Comment: In summary, the available evidence is currently insufficient to determine the role of this variant in disease. Therefore, it has been classified as a Variant of Uncertain Significance. Algorithms developed to predict the effect of missense changes on protein structure and function (SIFT, PolyPhen-2, Align-GVGD) all suggest that this variant is likely to be disruptive, but these predictions have not been confirmed by published functional studies and their clinical significance is uncertain. This variant has not been reported in the literature in individuals with KIT-related conditions. This variant is not present in population databases (ExAC no frequency). This sequence change replaces alanine with threonine at codon 292 of the KIT protein (p.Ala292Thr). The alanine residue is highly conserved and there is a small physicochemical difference between alanine and threonine.